The following is an entry in ClinVar:

NM_004006.3(DMD):c.3175A>C (p.Thr1059Pro)

Gene: DMD (dystrophin; minus strand). Cytogenetic location: Xp21.1.
Variant type: single nucleotide variant.
Coding change: c.3175A>C on transcript NM_004006.3 (MANE Select); coding-DNA position 3175, A replaced by C.
Protein change: p.Thr1059Pro; replaces threonine 1059 with proline.
Molecular consequence: missense variant.
Genome position (GRCh38, 1-based): chrX:32,464,687, T>G on the plus strand (A>C on the coding strand, the complement: DMD is on the minus strand). VCF-style: chrX-32464687-T-G. GRCh37 (hg19) VCF-style: chrX-32482804-T-G.
Other names: c.3151A>C, p.Thr1051Pro (NM_000109.4); c.3163A>C, p.Thr1055Pro (NM_004009.3); c.2806A>C, p.Thr936Pro (NM_004010.3); short protein forms T1051P, T1055P, T1059P, T936P.
Identifiers: ClinVar variation 4691724 (VCV004691724.1).

ClinVar aggregate classification (germline): Uncertain significance (1 of 4 stars; one submission).

Conditions:
Duchenne muscular dystrophy (DMD). Also called: MUSCULAR DYSTROPHY, PSEUDOHYPERTROPHIC PROGRESSIVE, DUCHENNE TYPE; Duchenne Muscular Dystrophy (DMD). Identifiers: Orphanet 98896, MedGen C0013264, MONDO:0010679, OMIM 310200.

Submission:

Labcorp Genetics (formerly Invitae), Labcorp
Classification: Uncertain significance for Duchenne muscular dystrophy. Last evaluated: 2025-12-26. Review status: criteria provided, single submitter. Criteria: Invitae Variant Classification Sherloc (09022015). Collection method: clinical testing. Allele origin: germline.
Comment: This sequence change replaces threonine, which is neutral and polar, with proline, which is neutral and non-polar, at codon 1059 of the DMD protein (p.Thr1059Pro). This variant is not present in population databases (gnomAD no frequency). This variant has not been reported in the literature in individuals affected with DMD-related conditions. Invitae Evidence Modeling of protein sequence and biophysical properties (such as structural, functional, and spatial information, amino acid conservation, physicochemical variation, residue mobility, and thermodynamic stability) indicates that this missense variant is not expected to disrupt DMD protein function with a negative predictive value of 95%. In summary, the available evidence is currently insufficient to determine the role of this variant in disease. Therefore, it has been classified as a Variant of Uncertain Significance.